The following is an entry in ClinVar:

ClinVar aggregate classification (germline): Benign. Review status: criteria provided, multiple submitters, no conflicts (2 of 4 stars). 4 submissions from 4 submitters: Benign (4). Last evaluated 2026-02-01.

Conditions:
Anterior segment dysgenesis 7 (ASGD7). Also called: Anterior segment dysgenesis 7, with sclerocornea; SCLEROCORNEA WITH OTHER OCULAR ANOMALIES. Identifiers: Orphanet 289499, MedGen C3151617, MONDO:0010015, OMIM 269400.

Allele frequency attached by ClinVar (database versions not stated): ExAC 0.01369; gnomAD 0.03547 and 0.03782; gnomAD exomes 0.00372 and 0.00974; ESP Exome Variant Server 0.03781; TOPMed 0.03998; 1000 Genomes Project 0.04673; 1000 Genomes Project 30x 0.04903.
gnomAD v4.1: 11,081 of 1,607,828 alleles (0.69%); highest among the groups gnomAD compares: African/African-American, 12%; 581 homozygotes.

Submissions (4):

Labcorp Genetics (formerly Invitae), Labcorp
Classification: Benign for Anterior segment dysgenesis 7. Last evaluated: 2026-02-01. Review status: criteria provided, single submitter. Criteria: Invitae Variant Classification Sherloc (09022015). Collection method: clinical testing. Allele origin: germline.

GeneDx
Classification: Benign. Last evaluated: 2018-05-31. Review status: criteria provided, single submitter. Criteria: GeneDx Variant Classification (06012015). Collection method: clinical testing. Allele origin: germline. Affected: yes.
Comment: This variant is considered likely benign or benign based on one or more of the following criteria: it is a conservative change, it occurs at a poorly conserved position in the protein, it is predicted to be benign by multiple in silico algorithms, and/or has population frequency not consistent with disease.

Breakthrough Genomics
Classification: Benign. Review status: criteria provided, single submitter. Criteria: ACMG Guidelines, 2015. Collection method: not provided. Allele origin: germline. Inheritance: Autosomal recessive inheritance. Affected: yes.

PreventionGenetics, part of Exact Sciences
Classification: Benign. Review status: criteria provided, single submitter. Criteria: ACMG Guidelines, 2015. Collection method: clinical testing. Allele origin: germline.

NM_012293.3(PXDN):c.3093C>T (p.Tyr1031=)

Gene: PXDN (peroxidasin; minus strand). Cytogenetic location: 2p25.3.
Variant type: single nucleotide variant.
Coding change: c.3093C>T on transcript NM_012293.3 (MANE Select); coding-DNA position 3093, C replaced by T.
Protein change: p.Tyr1031=; no amino-acid change (tyrosine 1031 retained).
Molecular consequence: synonymous variant.
Genome position (GRCh38, 1-based): chr2:1,648,687, G>A on the plus strand (C>T on the coding strand, the complement: PXDN is on the minus strand). VCF-style: chr2-1648687-G-A. GRCh37 (hg19) VCF-style: chr2-1652459-G-A.
Identifiers: ClinVar variation 260225 (VCV000260225.13), dbSNP rs6752525, ClinGen allele CA1512823.